The following is an entry in ClinVar:

NM_000080.4(CHRNE):c.313G>A (p.Val105Met)

Genes: C17orf107 (chromosome 17 open reading frame 107; plus strand), CHRNE (cholinergic receptor nicotinic epsilon subunit; minus strand). Cytogenetic location: 17p13.2.
Variant type: single nucleotide variant.
Coding change: c.313G>A on transcript NM_000080.4 (MANE Select); coding-DNA position 313, G replaced by A.
Protein change: p.Val105Met; replaces valine 105 with methionine.
Molecular consequence: missense variant. On other transcripts: 3 prime UTR variant (1).
Genome position (GRCh38, 1-based): chr17:4,902,248, C>T on the plus strand (G>A on the coding strand, the complement: CHRNE is on the minus strand). VCF-style: chr17-4902248-C-T. GRCh37 (hg19) VCF-style: chr17-4805543-C-T.
Other names: c.*1715C>T (NM_001145536.2); short protein forms V105M.
Identifiers: ClinVar variation 2171873 (VCV002171873.1), dbSNP rs746407563, ClinGen allele CA8314520.

ClinVar aggregate classification (germline): Uncertain significance (1 of 4 stars; one submission).

Conditions:
Congenital myasthenic syndrome 4A. Also called: Myasthenic syndrome, congenital, 4a, slow-channel; CONGENITAL MYASTHENIC SYNDROME TYPE Ia1; MYASTHENIC SYNDROME, CONGENITAL, 4A, SLOW-CHANNEL, AUTOSOMAL RECESSIVE. Identifiers: Orphanet 590, MedGen C4225413, MONDO:0011600, OMIM 605809.

Allele frequency attached by ClinVar (database versions not stated): TOPMed below 0.00001; ExAC 0.00002.
gnomAD v4.1: 2 of 1,614,182 alleles (0.00012%); highest among the groups gnomAD compares: South Asian, 0.0011%; no homozygotes.

Submission:

Labcorp Genetics (formerly Invitae), Labcorp
Classification: Uncertain significance for Congenital myasthenic syndrome 4A. Last evaluated: 2022-06-03. Review status: criteria provided, single submitter. Criteria: Invitae Variant Classification Sherloc (09022015). Collection method: clinical testing. Allele origin: germline.
Comment: This sequence change replaces valine, which is neutral and non-polar, with methionine, which is neutral and non-polar, at codon 105 of the CHRNE protein (p.Val105Met). This variant is present in population databases (rs746407563, gnomAD 0.003%). This variant has not been reported in the literature in individuals affected with CHRNE-related conditions. Advanced modeling of protein sequence and biophysical properties (such as structural, functional, and spatial information, amino acid conservation, physicochemical variation, residue mobility, and thermodynamic stability) performed at Invitae indicates that this missense variant is not expected to disrupt CHRNE protein function. In summary, the available evidence is currently insufficient to determine the role of this variant in disease. Therefore, it has been classified as a Variant of Uncertain Significance.